The following is an entry in ClinVar:

NM_006642.5(SDCCAG8):c.2104C>T (p.Arg702Trp)

Genes: SDCCAG8 (SHH signaling and ciliogenesis regulator SDCCAG8; plus strand), AKT3 (AKT serine/threonine kinase 3; minus strand). Cytogenetic location: 1q43.
Variant type: single nucleotide variant.
Coding change: c.2104C>T on transcript NM_006642.5 (MANE Select); coding-DNA position 2104, C replaced by T.
Protein change: p.Arg702Trp; replaces arginine 702 with tryptophan.
Molecular consequence: missense variant. On other transcripts: intron variant (1).
Genome position (GRCh38, 1-based): chr1:243,489,132, C>T. VCF-style: chr1-243489132-C-T. GRCh37 (hg19) VCF-style: chr1-243652434-C-T.
Other names: c.1201C>T, p.Arg401Trp (NM_001350246.2, NM_001350247.2, NM_001350251.2); c.2200C>T, p.Arg734Trp (NM_001350248.2); c.1810C>T, p.Arg604Trp (NM_001350249.2); c.*7-682G>A (NM_181690.2); short protein forms R401W, R604W, R702W, R734W.
Identifiers: ClinVar variation 2191503 (VCV002191503.4), dbSNP rs182859748, ClinGen allele CA1483833.
Genomic context (GRCh38, chr1:243,489,132, plus strand): 5'-AGCAAGCAGAACCAGCTTCTCCTGGAGAGGCAGAGCCTGTCGGAAGAGGTGGACCGGCTG[C>T]GGACCCAGGTACTGTGCAGAACGCGGCGCAGGTGGGAGTCCTTGGGCGGGCGTCTACAGG-3'
Protein context (NP_006633.1, residues 692-712): QSLSEEVDRL[Arg702Trp]TQLPSMPQSD

ClinVar aggregate classification (germline): Uncertain significance. Review status: criteria provided, multiple submitters, no conflicts (2 of 4 stars). 3 submissions from 3 submitters: Uncertain significance (3). Last evaluated 2024-04-10.

Conditions:
Inborn genetic diseases. Identifiers: MedGen C0950123, MeSH D030342.
Senior-Loken syndrome 7 (SLSN7). Identifiers: Orphanet 3156, MedGen C3150877, MONDO:0013326, OMIM 613615.
Bardet-Biedl syndrome 16 (BBS16). Identifiers: Orphanet 110, MedGen C3889474, MONDO:0014444, OMIM 615993.

Allele frequency attached by ClinVar (database versions not stated): gnomAD exomes 0.00001; TOPMed 0.00002; gnomAD 0.00003; ExAC 0.00008; 1000 Genomes Project 0.00060; 1000 Genomes Project 30x 0.00062.
gnomAD v4.1: 22 of 1,612,296 alleles (0.0014%); highest among the groups gnomAD compares: East Asian, 0.02%; no homozygotes.

Submissions (3):

Fulgent Genetics
Classification: Uncertain significance for Senior-Loken syndrome 7; Bardet-Biedl syndrome 16. Last evaluated: 2024-04-10. Review status: criteria provided, single submitter. Criteria: ACMG Guidelines, 2015. Collection method: clinical testing. Allele origin: germline.

Ambry Genetics
Classification: Uncertain significance for Inborn genetic diseases. Last evaluated: 2024-03-28. Review status: criteria provided, single submitter. Criteria: Ambry Variant Classification Scheme 2023. Collection method: clinical testing. Allele origin: germline.

Labcorp Genetics (formerly Invitae), Labcorp
Classification: Uncertain significance for Bardet-Biedl syndrome 16; Senior-Loken syndrome 7. Last evaluated: 2022-12-29. Review status: criteria provided, single submitter. Criteria: Invitae Variant Classification Sherloc (09022015). Collection method: clinical testing. Allele origin: germline.
Comment: In summary, the available evidence is currently insufficient to determine the role of this variant in disease. Therefore, it has been classified as a Variant of Uncertain Significance. Algorithms developed to predict the effect of missense changes on protein structure and function are either unavailable or do not agree on the potential impact of this missense change (SIFT: "Deleterious"; PolyPhen-2: "Probably Damaging"; Align-GVGD: "Class C0"). This variant has not been reported in the literature in individuals affected with SDCCAG8-related conditions. This variant is present in population databases (rs182859748, gnomAD 0.06%). This sequence change replaces arginine, which is basic and polar, with tryptophan, which is neutral and slightly polar, at codon 702 of the SDCCAG8 protein (p.Arg702Trp).